The following is an entry in ClinVar:

ClinVar aggregate classification (germline): Uncertain significance. Review status: criteria provided, multiple submitters, no conflicts (2 of 4 stars). 2 submissions from 2 submitters: Uncertain significance (2). Last evaluated 2026-02-02.

Conditions:
Dyskeratosis congenita. Identifiers: Orphanet 1775, MedGen C0265965, MONDO:0015780.

Allele frequency attached by ClinVar (database versions not stated): gnomAD exomes below 0.00001; TOPMed below 0.00001; gnomAD 0.00001.

Submissions (2):

Labcorp Genetics (formerly Invitae), Labcorp
Classification: Uncertain significance for Dyskeratosis congenita. Last evaluated: 2026-02-02. Review status: criteria provided, single submitter. Criteria: Invitae Variant Classification Sherloc (09022015). Collection method: clinical testing. Allele origin: germline.
Comment: This sequence change replaces arginine, which is basic and polar, with cysteine, which is neutral and slightly polar, at codon 141 of the DKC1 protein (p.Arg141Cys). This variant is not present in population databases (gnomAD no frequency). This variant has not been reported in the literature in individuals affected with DKC1-related conditions. ClinVar contains an entry for this variant (Variation ID: 2714424). Invitae Evidence Modeling of protein sequence and biophysical properties (such as structural, functional, and spatial information, amino acid conservation, physicochemical variation, residue mobility, and thermodynamic stability) indicates that this missense variant is expected to disrupt DKC1 protein function with a positive predictive value of 80%. In summary, the available evidence is currently insufficient to determine the role of this variant in disease. Therefore, it has been classified as a Variant of Uncertain Significance.

GeneDx
Classification: Uncertain significance. Last evaluated: 2023-04-12. Review status: criteria provided, single submitter. Criteria: GeneDx Variant Classification Process June 2021. Collection method: clinical testing. Allele origin: germline. Affected: yes.
Comment: Not observed at significant frequency in large population cohorts (gnomAD); In silico analysis supports that this missense variant has a deleterious effect on protein structure/function; Has not been previously published as pathogenic or benign to our knowledge

NM_001363.5(DKC1):c.421C>T (p.Arg141Cys)

Gene: DKC1 (dyskerin pseudouridine synthase 1; plus strand). Cytogenetic location: Xq28.
Variant type: single nucleotide variant.
Coding change: c.421C>T on transcript NM_001363.5 (MANE Select); coding-DNA position 421, C replaced by T.
Protein change: p.Arg141Cys; replaces arginine 141 with cysteine.
Molecular consequence: missense variant. On other transcripts: non-coding transcript variant (3).
Genome position (GRCh38, 1-based): chrX:154,766,373, C>T. VCF-style: chrX-154766373-C-T. GRCh37 (hg19) VCF-style: chrX-153994648-C-T.
Other names: c.421C>T, p.Arg141Cys (NM_001142463.3, NM_001288747.2); short protein forms R141C.
Identifiers: ClinVar variation 2714424 (VCV002714424.4), dbSNP rs1486992777, ClinGen allele CA414889875.
Genomic context (GRCh38, chrX:154,766,373, plus strand): 5'-AGTGGTACGCTGGATCCCAAGGTGACTGGTTGTTTAATCGTGTGCATAGAACGAGCCACT[C>T]GCTTGGTGAAGTCACAACAGAGTGCAGGTATGTGGGAGAGGGAGGGAAGGACTGGCTAGA-3'
Protein context (NP_001354.1, residues 131-151): CLIVCIERAT[Arg141Cys]LVKSQQSAGK